The following is an entry in ClinVar:

ClinVar aggregate classification (germline): Uncertain significance (1 of 4 stars; one submission).

Submission:

Labcorp Genetics (formerly Invitae), Labcorp
Classification: Uncertain significance. Last evaluated: 2023-10-14. Review status: criteria provided, single submitter. Criteria: Invitae Variant Classification Sherloc (09022015). Collection method: clinical testing. Allele origin: germline.
Comment: This sequence change replaces serine, which is neutral and polar, with asparagine, which is neutral and polar, at codon 101 of the CHD8 protein (p.Ser101Asn). This variant is not present in population databases (gnomAD no frequency). This variant has not been reported in the literature in individuals affected with CHD8-related conditions. An algorithm developed to predict the effect of missense changes on protein structure and function (PolyPhen-2) suggests that this variant is likely to be tolerated. In summary, the available evidence is currently insufficient to determine the role of this variant in disease. Therefore, it has been classified as a Variant of Uncertain Significance.

NM_001170629.2(CHD8):c.302G>A (p.Ser101Asn)

Gene: CHD8 (chromodomain helicase DNA binding protein 8; minus strand). Cytogenetic location: 14q11.2.
Variant type: single nucleotide variant.
Coding change: c.302G>A on transcript NM_001170629.2 (MANE Select); coding-DNA position 302, G replaced by A.
Protein change: p.Ser101Asn; replaces serine 101 with asparagine.
Molecular consequence: missense variant. On other transcripts: intron variant (1).
Genome position (GRCh38, 1-based): chr14:21,431,342, C>T on the plus strand (G>A on the coding strand, the complement: CHD8 is on the minus strand). VCF-style: chr14-21431342-C-T. GRCh37 (hg19) VCF-style: chr14-21899501-C-T.
Other names: c.6+469G>A (NM_020920.4); short protein forms S101N.
Identifiers: ClinVar variation 2806082 (VCV002806082.3), dbSNP rs1241361487, ClinGen allele CA388889620.
Genomic context (GRCh38, chr14:21,431,342, plus strand): 5'-TGCAAAAGTCCTGATGTTGGCGTCGATGTCTGTAAGACAGGTTGGGCTGGCTGCTCCTGG[C>T]TGGCAGGCTGAGTGGTATAATCATGCAAGGTTATGGATTCTGGAGCTGGAGCTGTGGATT-3'
Protein context (NP_001164100.1, residues 91-111): TLHDYTTQPA[Ser101Asn]QEQPAQPVLQ